The following is an entry in ClinVar:

NM_003200.5(TCF3):c.550-5C>T

Gene: TCF3 (transcription factor 3; minus strand). Cytogenetic location: 19p13.3.
Variant type: single nucleotide variant.
Coding change: c.550-5C>T on transcript NM_003200.5 (MANE Select); 5 bases into the intron before coding-DNA position 550, C replaced by T.
Molecular consequence: intron variant.
Genome position (GRCh38, 1-based): chr19:1,622,420, G>A on the plus strand (C>T on the coding strand, the complement: TCF3 is on the minus strand). VCF-style: chr19-1622420-G-A. GRCh37 (hg19) VCF-style: chr19-1622419-G-A.
Other names: c.550-5C>T (NM_001351778.2, NM_001136139.4, NM_001351779.2).
Identifiers: ClinVar variation 2180242 (VCV002180242.32), dbSNP rs765330837, ClinGen allele CA9050308.

ClinVar aggregate classification (germline): Conflicting classifications of pathogenicity. Review status: criteria provided, conflicting classifications (1 of 4 stars). 2 submissions from 2 submitters: Uncertain significance (1); Likely benign (1). Last evaluated 2024-08-07.

Allele frequency attached by ClinVar (database versions not stated): gnomAD 0.00002; TOPMed 0.00003; ExAC 0.00010.
gnomAD v4.1: 30 of 1,404,402 alleles (0.0021%); highest among the groups gnomAD compares: Admixed American, 0.0053%; no homozygotes.

Submissions (2):

Labcorp Genetics (formerly Invitae), Labcorp
Classification: Likely benign. Last evaluated: 2024-08-07. Review status: criteria provided, single submitter. Criteria: Invitae Variant Classification Sherloc (09022015). Collection method: clinical testing. Allele origin: germline.

CeGaT Center for Human Genetics Tuebingen
Classification: Uncertain significance. Last evaluated: 2023-03-01. Review status: criteria provided, single submitter. Criteria: CeGaT Center For Human Genetics Tuebingen Variant Classification Criteria Version 2. Collection method: clinical testing. Allele origin: germline. Affected: yes. Observed: 1 variant allele.
Comment: TCF3: PM2, BP4